The following is an entry in ClinVar:

ClinVar aggregate classification (germline): Uncertain significance. Review status: criteria provided, multiple submitters, no conflicts (2 of 4 stars). 4 submissions from 4 submitters: Uncertain significance (4). Last evaluated 2025-09-02.

Conditions:
Inborn genetic diseases. Identifiers: MedGen C0950123, MeSH D030342.
RPGRIP1L-related disorder. Also called: RPGRIP1L-related disorders; RPGRIP1L-related condition. Identifiers: MedGen CN239416.
Meckel-Gruber syndrome. Also called: GRUBER SYNDROME; DYSENCEPHALIA SPLANCHNOCYSTICA; Dysencephalia splachnocystica. Identifiers: Orphanet 564, MedGen C0265215, MONDO:0018921.
Joubert syndrome. Also called: Familial aplasia of the vermis; JOUBERT-BOLTSHAUSER SYNDROME. Identifiers: Orphanet 475, MedGen C5979921, MONDO:0018772.

Allele frequency attached by ClinVar (database versions not stated): TOPMed 0.00001; ExAC 0.00002; gnomAD exomes 0.00001 and 0.00002.
gnomAD v4.1: 5 of 1,613,534 alleles (0.00031%); highest among the groups gnomAD compares: Admixed American, 0.0083%; no homozygotes.

Submissions (4):

Labcorp Genetics (formerly Invitae), Labcorp
Classification: Uncertain significance for Joubert syndrome; Meckel-Gruber syndrome. Last evaluated: 2025-09-02. Review status: criteria provided, single submitter. Criteria: Invitae Variant Classification Sherloc (09022015). Collection method: clinical testing. Allele origin: germline.
Comment: This sequence change replaces isoleucine, which is neutral and non-polar, with phenylalanine, which is neutral and non-polar, at codon 893 of the RPGRIP1L protein (p.Ile893Phe). This variant is present in population databases (rs748601161, gnomAD 0.01%). This variant has not been reported in the literature in individuals affected with RPGRIP1L-related conditions. ClinVar contains an entry for this variant (Variation ID: 844848). Invitae Evidence Modeling of protein sequence and biophysical properties (such as structural, functional, and spatial information, amino acid conservation, physicochemical variation, residue mobility, and thermodynamic stability) has been performed for this missense variant. However, the output from this modeling did not meet the statistical confidence thresholds required to predict the impact of this variant on RPGRIP1L protein function. In summary, the available evidence is currently insufficient to determine the role of this variant in disease. Therefore, it has been classified as a Variant of Uncertain Significance.

Ambry Genetics
Classification: Uncertain significance for Inborn genetic diseases. Last evaluated: 2025-08-24. Review status: criteria provided, single submitter. Criteria: Ambry Variant Classification Scheme 2023. Collection method: clinical testing. Allele origin: germline.

PreventionGenetics, part of Exact Sciences
Classification: Uncertain significance for RPGRIP1L-related condition. Last evaluated: 2025-07-02. Review status: criteria provided, single submitter. Criteria: ACMG Guidelines, 2015. Collection method: clinical testing. Allele origin: germline.
Comment: The RPGRIP1L c.2677A>T variant is predicted to result in the amino acid substitution p.Ile893Phe. To our knowledge, this variant has not been reported in the literature. This variant is reported in 0.014% of alleles in individuals of Latino descent in gnomAD. At this time, the clinical significance of this variant is uncertain due to the absence of conclusive functional and genetic evidence.

Blueprint Genetics
Classification: Uncertain significance. Last evaluated: 2020-09-01. Review status: criteria provided, single submitter. Criteria: ACMG Guidelines, 2015. Collection method: clinical testing. Allele origin: germline.

NM_015272.5(RPGRIP1L):c.2677A>T (p.Ile893Phe)

Gene: RPGRIP1L (RPGRIP1 like; minus strand). Cytogenetic location: 16q12.2.
Variant type: single nucleotide variant.
Coding change: c.2677A>T on transcript NM_015272.5 (MANE Select); coding-DNA position 2677, A replaced by T.
Protein change: p.Ile893Phe; replaces isoleucine 893 with phenylalanine.
Molecular consequence: missense variant.
Genome position (GRCh38, 1-based): chr16:53,645,631, T>A on the plus strand (A>T on the coding strand, the complement: RPGRIP1L is on the minus strand). VCF-style: chr16-53645631-T-A. GRCh37 (hg19) VCF-style: chr16-53679543-T-A.
Other names: c.2677A>T, p.Ile893Phe (NM_001127897.4, NM_001308334.3, NM_001330538.2); c.2677A>T (NM_015272.4); short protein forms I893F.
Identifiers: ClinVar variation 844848 (VCV000844848.12), dbSNP rs748601161, ClinGen allele CA8057501.